The following is an entry in ClinVar:

NM_001142966.3(GREB1L):c.4824G>C (p.Gln1608His)

Gene: GREB1L (GREB1 like retinoic acid receptor coactivator; plus strand). Cytogenetic location: 18q11.2.
Variant type: single nucleotide variant.
Coding change: c.4824G>C on transcript NM_001142966.3 (MANE Select); coding-DNA position 4824, G replaced by C.
Protein change: p.Gln1608His; replaces glutamine 1608 with histidine.
Molecular consequence: missense variant.
Genome position (GRCh38, 1-based): chr18:21,513,909, G>C. VCF-style: chr18-21513909-G-C. GRCh37 (hg19) VCF-style: chr18-19093870-G-C.
Other names: c.4953G>C, p.Gln1651His (NM_001410867.1); c.4497G>C, p.Gln1499His (NM_001410868.1); short protein forms Q1499H, Q1608H, Q1651H.
Identifiers: ClinVar variation 3383774 (VCV003383774.1).
Genomic context (GRCh38, chr18:21,513,909, plus strand): 5'-ATCATATCACAACCTAGAATTGGAGAGAAACCGCCTGGAGGAGCTAGGCATTAAACGCCA[G>C]TGTGTCTGGCCTTTCATCGTCATGATGGATGACTCATGTGTCCTATGGAACATTCACAGT-3'
Protein context (NP_001136438.1, residues 1598-1618): NRLEELGIKR[Gln1608His]CVWPFIVMMD

ClinVar aggregate classification (germline): Uncertain significance (1 of 4 stars; one submission).

gnomAD v4.1: 1 of 1,551,648 alleles (0.000064%); highest among the groups gnomAD compares: Non-Finnish European, 0.000087%; no homozygotes.

Submission:

GeneDx
Classification: Uncertain significance. Last evaluated: 2024-05-28. Review status: criteria provided, single submitter. Criteria: GeneDx Variant Classification Process June 2021. Collection method: clinical testing. Allele origin: germline. Affected: yes.
Comment: Not observed at significant frequency in large population cohorts (gnomAD); In silico analysis supports that this missense variant has a deleterious effect on protein structure/function; Has not been previously published as pathogenic or benign to our knowledge